The following is an entry in ClinVar:

NC_000013.10:g.(?_100992391)_(100992533_?)del

Gene: PCCA (propionyl-CoA carboxylase subunit alpha; plus strand). Cytogenetic location: 13q32.3.
Variant type: Deletion.
Identifiers: ClinVar variation 1454832 (VCV001454832.5).

ClinVar aggregate classification (germline): Pathogenic (1 of 4 stars; one submission).

Conditions:
Propionic acidemia (PROP). Also called: GLYCINEMIA, KETOTIC; HYPERGLYCINEMIA WITH KETOACIDOSIS AND LEUKOPENIA; KETOTIC HYPERGLYCINEMIA. Identifiers: Orphanet 35, MedGen C0268579, MONDO:0011628, OMIM 606054, HP:0003571.

Submission:

Labcorp Genetics (formerly Invitae), Labcorp
Classification: Pathogenic for Propionic acidemia. Last evaluated: 2022-08-09. Review status: criteria provided, single submitter. Criteria: Invitae Variant Classification Sherloc (09022015). Collection method: clinical testing. Allele origin: germline.
Comment: For these reasons, this variant has been classified as Pathogenic. This variant has not been reported in the literature in individuals affected with PCCA-related conditions. This variant is a gross deletion of the genomic region encompassing exon(s) 18 of the PCCA gene. This deletion is out-of-frame, and is expected to create a premature termination codon and result in an absent or disrupted protein product. Loss-of-function variants in PCCA are known to be pathogenic (PMID: 15464417).

Literature cited by the submitters: PubMed 15464417.